The following is an entry in ClinVar:

NM_005654.6(NR2F1):c.193G>A (p.Gly65Ser)

Genes: NR2F1 (nuclear receptor subfamily 2 group F member 1; plus strand), NR2F1-AS1 (NR2F1 regulatory antisense RNA 1; minus strand). Cytogenetic location: 5q15.
Variant type: single nucleotide variant.
Coding change: c.193G>A on transcript NM_005654.6 (MANE Select); coding-DNA position 193, G replaced by A.
Protein change: p.Gly65Ser; replaces glycine 65 with serine.
Molecular consequence: missense variant.
Genome position (GRCh38, 1-based): chr5:93,585,216, G>A. VCF-style: chr5-93585216-G-A. GRCh37 (hg19) VCF-style: chr5-92920922-G-A.
Other names: short protein forms G65S.
Identifiers: ClinVar variation 1406392 (VCV001406392.8), dbSNP rs201452963, ClinGen allele CA123266249.

ClinVar aggregate classification (germline): Uncertain significance (1 of 4 stars; one submission).

Allele frequency attached by ClinVar (database versions not stated): gnomAD exomes below 0.00001; gnomAD 0.00001; TOPMed 0.00001.
gnomAD v4.1: 3 of 1,544,336 alleles (0.00019%); highest among the groups gnomAD compares: African/African-American, 0.0014%; no homozygotes.

Submission:

Labcorp Genetics (formerly Invitae), Labcorp
Classification: Uncertain significance. Last evaluated: 2025-05-12. Review status: criteria provided, single submitter. Criteria: Invitae Variant Classification Sherloc (09022015). Collection method: clinical testing. Allele origin: germline.
Comment: This sequence change replaces glycine, which is neutral and non-polar, with serine, which is neutral and polar, at codon 65 of the NR2F1 protein (p.Gly65Ser). This variant is not present in population databases (gnomAD no frequency). This variant has not been reported in the literature in individuals affected with NR2F1-related conditions. ClinVar contains an entry for this variant (Variation ID: 1406392). Invitae Evidence Modeling of protein sequence and biophysical properties (such as structural, functional, and spatial information, amino acid conservation, physicochemical variation, residue mobility, and thermodynamic stability) indicates that this missense variant is not expected to disrupt NR2F1 protein function with a negative predictive value of 95%. In summary, the available evidence is currently insufficient to determine the role of this variant in disease. Therefore, it has been classified as a Variant of Uncertain Significance.